The following is an entry in ClinVar:

NM_001031725.6(DDX59):c.84C>T (p.Asp28=)

Gene: DDX59 (DEAD-box helicase 59; minus strand). Cytogenetic location: 1q32.1.
Variant type: single nucleotide variant.
Coding change: c.84C>T on transcript NM_001031725.6 (MANE Select); coding-DNA position 84, C replaced by T.
Protein change: p.Asp28=; no amino-acid change (aspartic acid 28 retained).
Molecular consequence: synonymous variant.
Genome position (GRCh38, 1-based): chr1:200,666,657, G>A on the plus strand (C>T on the coding strand, the complement: DDX59 is on the minus strand). VCF-style: chr1-200666657-G-A. GRCh37 (hg19) VCF-style: chr1-200635785-G-A.
Other names: c.84C>T, p.Asp28= (NM_001320181.2, NM_001320182.1, NM_001349799.3 and 5 more transcripts).
Identifiers: ClinVar variation 3049785 (VCV003049785.2), dbSNP rs1287812241, ClinGen allele CA422687320.

ClinVar aggregate classification (germline): Likely benign (0 of 4 stars; one submission).

Conditions:
DDX59-related disorder. Also called: DDX59-related condition.

Allele frequency attached by ClinVar (database versions not stated): gnomAD 0.00001; gnomAD exomes 0.00003.
gnomAD v4.1: 18 of 1,614,028 alleles (0.0011%); highest among the groups gnomAD compares: Non-Finnish European, 0.0014%; no homozygotes.

Submission:

PreventionGenetics, part of Exact Sciences
Classification: Likely benign for DDX59-related condition. Last evaluated: 2019-07-23. Review status: no assertion criteria provided. Collection method: clinical testing. Allele origin: germline.
Comment: This variant is classified as likely benign based on ACMG/AMP sequence variant interpretation guidelines (Richards et al. 2015 PMID: 25741868, with internal and published modifications).